The following is an entry in ClinVar:

NM_001394063.1(CFAP20DC):c.601C>T (p.Arg201Ter)

Genes: CFAP20DC (CFAP20 domain containing; minus strand), CFAP20DC-AS1 (CFAP20DC antisense RNA 1; plus strand). Cytogenetic location: 3p14.2.
Variant type: single nucleotide variant.
Coding change: c.601C>T on transcript NM_001394063.1 (MANE Select); coding-DNA position 601, C replaced by T.
Protein change: p.Arg201Ter; replaces arginine 201 with a stop codon.
Molecular consequence: nonsense. On other transcripts: 5 prime UTR variant (2), non-coding transcript variant (1), intron variant (1).
Genome position (GRCh38, 1-based): chr3:58,884,659, G>A on the plus strand (C>T on the coding strand, the complement: CFAP20DC is on the minus strand). VCF-style: chr3-58884659-G-A. GRCh37 (hg19) VCF-style: chr3-58870385-G-A.
Other names: c.-15C>T (NM_001351531.2); c.-341C>T (NM_001351532.2); c.601C>T, p.Arg201Ter (NM_001351533.2); c.226C>T, p.Arg76Ter (NM_198463.4); c.551-14350C>T (NM_001351530.2); short protein forms R201*, R76*.
Identifiers: ClinVar variation 3767379 (VCV003767379.1).
Genomic context (GRCh38, chr3:58,884,659, plus strand): 5'-GTTTAGTCATGTTTAGCAGCTGTGTGACATGTGGAACATCTGTCATTAGTTGACAGCTTC[G>A]TGGTATAATATCTGTAGGCTCATCTGTTGAAAAGGGAACACCATAGACAGCTGGAAATAA-3'

ClinVar aggregate classification (germline): Uncertain significance (1 of 4 stars; one submission).

Conditions:
Primary ciliary dyskinesia. Also called: Ciliary dyskinesia. Identifiers: Orphanet 244, MedGen C0008780, MONDO:0016575, HP:0012265.

gnomAD v4.1: 2 of 1,613,602 alleles (0.00012%); highest among the groups gnomAD compares: Non-Finnish European, 0.00017%; no homozygotes.

Submission:

Clinical Genetics Laboratory, Skane University Hospital Lund
Classification: Uncertain significance for Primary ciliary dyskinesia. Last evaluated: 2024-06-26. Review status: criteria provided, single submitter. Criteria: ACMG Guidelines, 2015. Collection method: clinical testing. Allele origin: germline. Affected: yes.
Comment: PM2 (homozygous in patient)